The following is an entry in ClinVar:

ClinVar aggregate classification (germline): Uncertain significance (1 of 4 stars; one submission).

Submission:

GeneDx
Classification: Uncertain significance. Last evaluated: 2023-05-25. Review status: criteria provided, single submitter. Criteria: GeneDx Variant Classification Process June 2021. Collection method: clinical testing. Allele origin: germline. Affected: yes.
Comment: Not observed at significant frequency in large population cohorts (gnomAD); In silico analysis supports that this missense variant does not alter protein structure/function; Has not been previously published as pathogenic or benign to our knowledge

NM_001110556.2(FLNA):c.7120G>A (p.Ala2374Thr)

Gene: FLNA (filamin A; minus strand). Cytogenetic location: Xq28.
Variant type: single nucleotide variant.
Coding change: c.7120G>A on transcript NM_001110556.2 (MANE Select); coding-DNA position 7120, G replaced by A.
Protein change: p.Ala2374Thr; replaces alanine 2374 with threonine.
Molecular consequence: missense variant.
Genome position (GRCh38, 1-based): chrX:154,350,945, C>T on the plus strand (G>A on the coding strand, the complement: FLNA is on the minus strand). VCF-style: chrX-154350945-C-T. GRCh37 (hg19) VCF-style: chrX-153579313-C-T.
Other names: c.7096G>A, p.Ala2366Thr (NM_001456.4); short protein forms A2366T, A2374T.
Identifiers: ClinVar variation 3338714 (VCV003338714.1).